The following is an entry in ClinVar:

NM_022081.6(HPS4):c.320G>A (p.Arg107Gln)

Gene: HPS4 (HPS4 biogenesis of lysosomal organelles complex 3 subunit 2; minus strand). Cytogenetic location: 22q12.1.
Variant type: single nucleotide variant.
Coding change: c.320G>A on transcript NM_022081.6 (MANE Select); coding-DNA position 320, G replaced by A.
Protein change: p.Arg107Gln; replaces arginine 107 with glutamine.
Molecular consequence: missense variant. On other transcripts: non-coding transcript variant (8).
Genome position (GRCh38, 1-based): chr22:26,472,896, C>T on the plus strand (G>A on the coding strand, the complement: HPS4 is on the minus strand). VCF-style: chr22-26472896-C-T. GRCh37 (hg19) VCF-style: chr22-26868862-C-T.
Other names: c.320G>A, p.Arg107Gln (NM_001349896.1, NM_001349898.2, NM_001349899.2 and 6 more transcripts); c.305G>A, p.Arg102Gln (NM_152841.2); short protein forms R107Q, R102Q.
Identifiers: ClinVar variation 1381589 (VCV001381589.6), dbSNP rs138885334, ClinGen allele CA10163747.

ClinVar aggregate classification (germline): Uncertain significance. Review status: criteria provided, multiple submitters, no conflicts (2 of 4 stars). 2 submissions from 2 submitters: Uncertain significance (2). Last evaluated 2024-04-25.

Allele frequency attached by ClinVar (database versions not stated): 1000 Genomes Project 30x 0.00031.
gnomAD v4.1: 55 of 1,614,194 alleles (0.0034%); highest among the groups gnomAD compares: South Asian, 0.035%; 1 homozygote.

Submissions (2):

Blueprint Genetics
Classification: Uncertain significance. Last evaluated: 2024-04-25. Review status: criteria provided, single submitter. Criteria: ACMG Guidelines, 2015. Collection method: clinical testing. Allele origin: germline.

Labcorp Genetics (formerly Invitae), Labcorp
Classification: Uncertain significance. Last evaluated: 2022-07-09. Review status: criteria provided, single submitter. Criteria: Invitae Variant Classification Sherloc (09022015). Collection method: clinical testing. Allele origin: germline.
Comment: This sequence change replaces arginine, which is basic and polar, with glutamine, which is neutral and polar, at codon 107 of the HPS4 protein (p.Arg107Gln). This variant is present in population databases (rs138885334, gnomAD 0.04%). This variant has not been reported in the literature in individuals affected with HPS4-related conditions. ClinVar contains an entry for this variant (Variation ID: 1381589). Algorithms developed to predict the effect of missense changes on protein structure and function output the following: SIFT: "Tolerated"; PolyPhen-2: "Benign"; Align-GVGD: "Class C0". The glutamine amino acid residue is found in multiple mammalian species, which suggests that this missense change does not adversely affect protein function. In summary, the available evidence is currently insufficient to determine the role of this variant in disease. Therefore, it has been classified as a Variant of Uncertain Significance.